The following is an entry in ClinVar:

ClinVar aggregate classification (germline): Uncertain significance (1 of 4 stars; one submission).

Conditions:
Inborn genetic diseases. Identifiers: MedGen C0950123, MeSH D030342.

Submission:

Ambry Genetics
Classification: Uncertain significance for Inborn genetic diseases. Last evaluated: 2025-03-22. Review status: criteria provided, single submitter. Criteria: Ambry Variant Classification Scheme 2023. Collection method: clinical testing. Allele origin: germline.
Comment: The p.A284V variant (also known as c.851C>T), located in coding exon 8 of the ANKRD26 gene, results from a C to T substitution at nucleotide position 851. The alanine at codon 284 is replaced by valine, an amino acid with similar properties. This amino acid position is conserved. In addition, this alteration is predicted to be tolerated by in silico analysis. Based on the available evidence, the clinical significance of this variant remains unclear.

NM_014915.3(ANKRD26):c.851C>T (p.Ala284Val)

Gene: ANKRD26 (ankyrin repeat domain containing 26; minus strand). Cytogenetic location: 10p12.1.
Variant type: single nucleotide variant.
Coding change: c.851C>T on transcript NM_014915.3 (MANE Select); coding-DNA position 851, C replaced by T.
Protein change: p.Ala284Val; replaces alanine 284 with valine.
Molecular consequence: missense variant.
Genome position (GRCh38, 1-based): chr10:27,077,656, G>A on the plus strand (C>T on the coding strand, the complement: ANKRD26 is on the minus strand). VCF-style: chr10-27077656-G-A. GRCh37 (hg19) VCF-style: chr10-27366585-G-A.
Other names: c.851C>T, p.Ala284Val (NM_001256053.2); short protein forms A284V.
Identifiers: ClinVar variation 3913155 (VCV003913155.1).